The following is an entry in ClinVar:

ClinVar aggregate classification (germline): Benign/Likely benign. Review status: criteria provided, multiple submitters, no conflicts (2 of 4 stars). 7 submissions from 7 submitters: Benign (2); Likely benign (3). 2 of the submissions do not count toward it. Last evaluated 2026-07-01.

Conditions:
Intellectual disability. Also called: Intellectual functioning disability; Intellectual developmental disorder; intellectual disabilities. Identifiers: MedGen C3714756, MeSH D008607, MONDO:0001071, HP:0001249.
Bainbridge-Ropers syndrome. Also called: Severe feeding difficulties-failure to thrive-microcephaly due to ASXL3 deficiency syndrome. Identifiers: Orphanet 352577, MedGen C4750837, MONDO:0014205, OMIM 615485.
ASXL3-related disorder. Also called: ASXL3-related condition. Identifiers: MedGen CN381524.

Allele frequency attached by ClinVar (database versions not stated): gnomAD 0.00217 and 0.00206; ESP Exome Variant Server 0.00175; 1000 Genomes Project 0.00300; ExAC 0.00078; TOPMed 0.00244; gnomAD exomes 0.00032 and 0.00067; 1000 Genomes Project 30x 0.00312.
gnomAD v4.1: 814 of 1,613,864 alleles (0.05%); highest among the groups gnomAD compares: African/African-American, 0.65%; 2 homozygotes.

Submissions (7):

CeGaT Center for Human Genetics Tuebingen
Classification: Likely benign. Last evaluated: 2026-07-01. Review status: criteria provided, single submitter. Criteria: CeGaT Center For Human Genetics Tuebingen Variant Classification Criteria Version 2. Collection method: clinical testing. Allele origin: germline. Affected: yes. Observed: 4 variant alleles.
Comment: ASXL3: BS1

Blueprint Genetics
Classification: Likely benign. Last evaluated: 2024-11-27. Review status: criteria provided, single submitter. Criteria: ACMG Guidelines, 2015. Collection method: clinical testing. Allele origin: germline.

Fulgent Genetics
Classification: Likely benign for Bainbridge-Ropers syndrome. Last evaluated: 2022-04-12. Review status: criteria provided, single submitter. Criteria: ACMG Guidelines, 2015. Collection method: clinical testing. Allele origin: unknown.

GeneDx
Classification: Benign. Last evaluated: 2019-01-28. Review status: criteria provided, single submitter. Criteria: GeneDx Variant Classification Process June 2021. Collection method: clinical testing. Allele origin: germline. Affected: yes.

Breakthrough Genomics
Classification: Benign. Review status: criteria provided, single submitter. Criteria: ACMG Guidelines, 2015. Collection method: not provided. Allele origin: germline. Inheritance: Autosomal dominant inheritance. Affected: yes.

PreventionGenetics, part of Exact Sciences
Classification: Benign for ASXL3-related condition. Last evaluated: 2022-06-21. Review status: no assertion criteria provided. Collection method: clinical testing. Allele origin: germline. Not counted in ClinVar's aggregate classification.
Comment: This variant is classified as benign based on ACMG/AMP sequence variant interpretation guidelines (Richards et al. 2015 PMID: 25741868, with internal and published modifications).

Centre de Biologie Pathologie Génétique, Centre Hospitalier Universitaire de Lille
Classification: Likely benign for Intellectual disability. Last evaluated: 2019-01-01. Review status: no assertion criteria provided. Collection method: clinical testing. Allele origin: inherited. Affected: yes. Not counted in ClinVar's aggregate classification.

NM_030632.3(ASXL3):c.6359C>T (p.Ala2120Val)

Gene: ASXL3 (ASXL transcriptional regulator 3; plus strand). Cytogenetic location: 18q12.1.
Variant type: single nucleotide variant.
Coding change: c.6359C>T on transcript NM_030632.3 (MANE Select); coding-DNA position 6359, C replaced by T.
Protein change: p.Ala2120Val; replaces alanine 2120 with valine.
Molecular consequence: missense variant.
Genome position (GRCh38, 1-based): chr18:33,746,207, C>T. VCF-style: chr18-33746207-C-T. GRCh37 (hg19) VCF-style: chr18-31326171-C-T.
Other names: short protein forms A2120V.
Identifiers: ClinVar variation 975646 (VCV000975646.32), dbSNP rs151081332, ClinGen allele CA8934631.
Genomic context (GRCh38, chr18:33,746,207, plus strand): 5'-AAGTTTCCTATGACCAGAATGAAATGAAAGAACAGTTAAAAGCATTCGCGCTAAAAAGTG[C>T]AGATTTCTCTTCCTATTTGCTTTCTGAGCCACAAAAGCCTTTTACCCAATTAGCTGCTCA-3'
Protein context (NP_085135.1, residues 2110-2130): EQLKAFALKS[Ala2120Val]DFSSYLLSEP